The following is an entry in ClinVar:

NM_001035.3(RYR2):c.5437A>T (p.Thr1813Ser)

Gene: RYR2 (ryanodine receptor 2; plus strand). Cytogenetic location: 1q43.
Variant type: single nucleotide variant.
Coding change: c.5437A>T on transcript NM_001035.3 (MANE Select); coding-DNA position 5437, A replaced by T.
Protein change: p.Thr1813Ser; replaces threonine 1813 with serine.
Molecular consequence: missense variant.
Genome position (GRCh38, 1-based): chr1:237,614,565, A>T. VCF-style: chr1-237614565-A-T. GRCh37 (hg19) VCF-style: chr1-237777865-A-T.
Other names: short protein forms T1813S.
Identifiers: ClinVar variation 2729184 (VCV002729184.3), dbSNP rs2546795535, ClinGen allele CA345405020.

ClinVar aggregate classification (germline): Uncertain significance (1 of 4 stars; one submission).

Conditions:
Catecholaminergic polymorphic ventricular tachycardia 1. Also called: RYR2-Related Catecholaminergic Polymorphic Ventricular Tachycardia; VENTRICULAR TACHYCARDIA, CATECHOLAMINERGIC POLYMORPHIC, 1, WITH OR WITHOUT ATRIAL DYSFUNCTION AND/OR DILATED CARDIOMYOPATHY; VENTRICULAR TACHYCARDIA, STRESS-INDUCED POLYMORPHIC 1. Identifiers: Orphanet 3286, MedGen C1631597, MONDO:0011484, OMIM 604772.

Submission:

Labcorp Genetics (formerly Invitae), Labcorp
Classification: Uncertain significance for Catecholaminergic polymorphic ventricular tachycardia 1. Last evaluated: 2024-04-24. Review status: criteria provided, single submitter. Criteria: Invitae Variant Classification Sherloc (09022015). Collection method: clinical testing. Allele origin: germline.
Comment: This sequence change replaces threonine, which is neutral and polar, with serine, which is neutral and polar, at codon 1813 of the RYR2 protein (p.Thr1813Ser). This variant is not present in population databases (gnomAD no frequency). This variant has not been reported in the literature in individuals affected with RYR2-related conditions. Advanced modeling of protein sequence and biophysical properties (such as structural, functional, and spatial information, amino acid conservation, physicochemical variation, residue mobility, and thermodynamic stability) performed at Invitae indicates that this missense variant is not expected to disrupt RYR2 protein function with a negative predictive value of 95%. In summary, the available evidence is currently insufficient to determine the role of this variant in disease. Therefore, it has been classified as a Variant of Uncertain Significance.